The following is an entry in ClinVar:

ClinVar aggregate classification (germline): Uncertain significance (1 of 4 stars; one submission).

Conditions:
Perlman syndrome (PRLMNS). Identifiers: Orphanet 2849, MedGen C0796113, MONDO:0009965, OMIM 267000.

Submission:

Labcorp Genetics (formerly Invitae), Labcorp
Classification: Uncertain significance for Perlman syndrome. Last evaluated: 2020-10-25. Review status: criteria provided, single submitter. Criteria: Invitae Variant Classification Sherloc (09022015). Collection method: clinical testing. Allele origin: germline.
Comment: In summary, the available evidence is currently insufficient to determine the role of this variant in disease. Therefore, it has been classified as a Variant of Uncertain Significance. Algorithms developed to predict the effect of missense changes on protein structure and function (SIFT, PolyPhen-2, Align-GVGD) all suggest that this variant is likely to be tolerated, but these predictions have not been confirmed by published functional studies and their clinical significance is uncertain. This variant has not been reported in the literature in individuals with DIS3L2-related conditions. This variant is not present in population databases (ExAC no frequency). This sequence change replaces glutamine with glutamic acid at codon 357 of the DIS3L2 protein (p.Gln357Glu). The glutamine residue is moderately conserved and there is a small physicochemical difference between glutamine and glutamic acid.

NM_152383.5(DIS3L2):c.1069C>G (p.Gln357Glu)

Gene: DIS3L2 (DIS3 like 3'-5' exoribonuclease 2; plus strand). Cytogenetic location: 2q37.1.
Variant type: single nucleotide variant.
Coding change: c.1069C>G on transcript NM_152383.5 (MANE Select); coding-DNA position 1069, C replaced by G.
Protein change: p.Gln357Glu; replaces glutamine 357 with glutamic acid.
Molecular consequence: missense variant. On other transcripts: non-coding transcript variant (2).
Genome position (GRCh38, 1-based): chr2:232,163,577, C>G. VCF-style: chr2-232163577-C-G. GRCh37 (hg19) VCF-style: chr2-233028287-C-G.
Other names: c.1069C>G, p.Gln357Glu (NM_001257281.2); short protein forms Q357E.
Identifiers: ClinVar variation 1001845 (VCV001001845.8), dbSNP rs1690718889, ClinGen allele CA351154414.